The following is an entry in ClinVar:

ClinVar aggregate classification (germline): Uncertain significance (1 of 4 stars; one submission).

Allele frequency attached by ClinVar (database versions not stated): TOPMed 0.00008; gnomAD 0.00014; 1000 Genomes Project 30x 0.00031; ExAC 0.00031; 1000 Genomes Project 0.00040.

Submission:

Labcorp Genetics (formerly Invitae), Labcorp
Classification: Uncertain significance. Last evaluated: 2025-10-19. Review status: criteria provided, single submitter. Criteria: Invitae Variant Classification Sherloc (09022015). Collection method: clinical testing. Allele origin: germline.
Comment: This sequence change replaces arginine, which is basic and polar, with tryptophan, which is neutral and slightly polar, at codon 291 of the H6PD protein (p.Arg291Trp). This variant is present in population databases (rs575597887, gnomAD 0.2%). This variant has not been reported in the literature in individuals affected with H6PD-related conditions. ClinVar contains an entry for this variant (Variation ID: 2416557). Invitae Evidence Modeling of protein sequence and biophysical properties (such as structural, functional, and spatial information, amino acid conservation, physicochemical variation, residue mobility, and thermodynamic stability) indicates that this missense variant is not expected to disrupt H6PD protein function with a negative predictive value of 80%. In summary, the available evidence is currently insufficient to determine the role of this variant in disease. Therefore, it has been classified as a Variant of Uncertain Significance.

NM_004285.4(H6PD):c.871C>T (p.Arg291Trp)

Gene: H6PD (hexose-6-phosphate dehydrogenase/glucose 1-dehydrogenase; plus strand). Cytogenetic location: 1p36.22.
Variant type: single nucleotide variant.
Coding change: c.871C>T on transcript NM_004285.4 (MANE Select); coding-DNA position 871, C replaced by T.
Protein change: p.Arg291Trp; replaces arginine 291 with tryptophan.
Molecular consequence: missense variant.
Genome position (GRCh38, 1-based): chr1:9,262,184, C>T. VCF-style: chr1-9262184-C-T. GRCh37 (hg19) VCF-style: chr1-9322243-C-T.
Other names: c.904C>T, p.Arg302Trp (NM_001282587.2); short protein forms R291W, R302W.
Identifiers: ClinVar variation 2416557 (VCV002416557.3), dbSNP rs575597887, ClinGen allele CA575112.
Genomic context (GRCh38, chr1:9,262,184, plus strand): 5'-GTCCTCACCCTCGTGGCCATGGAGCTGCCCCACAATGTCAGCAGTGCGGAGGCTGTGCTG[C>T]GGCACAAGCTTCAGGTCTTCCAGGCGCTGCGGGGCCTGCAGAGGGGCAGTGCCGTCGTGG-3'
Protein context (NP_004276.2, residues 281-301): HNVSSAEAVL[Arg291Trp]HKLQVFQALR